The following is an entry in ClinVar:

NM_004304.5(ALK):c.2875A>G (p.Ile959Val)

Gene: ALK (ALK receptor tyrosine kinase; minus strand). Cytogenetic location: 2p23.2.
Variant type: single nucleotide variant.
Coding change: c.2875A>G on transcript NM_004304.5 (MANE Select); coding-DNA position 2875, A replaced by G.
Protein change: p.Ile959Val; replaces isoleucine 959 with valine.
Molecular consequence: missense variant.
Genome position (GRCh38, 1-based): chr2:29,227,613, T>C on the plus strand (A>G on the coding strand, the complement: ALK is on the minus strand). VCF-style: chr2-29227613-T-C. GRCh37 (hg19) VCF-style: chr2-29450479-T-C.
Other names: c.2875A>G (NM_004304.4); short protein forms I959V.
Identifiers: ClinVar variation 1440593 (VCV001440593.7), dbSNP rs748167212, ClinGen allele CA1594157.
Genomic context (GRCh38, chr2:29,227,613, plus strand): 5'-GCTGCCTGGCAGAGAAGCTACCTTTTAAAGCTGGGGTGTACAGGATGCCCAGTGGACTGA[T>C]GAAGGAAACCCCATCTTCCCCATCCATTTCGGGGTCATTGTTTGAGGCTGCATTGCCGCC-3'
Protein context (NP_004295.2, residues 949-969): EMDGEDGVSF[Ile959Val]SPLGILYTPA

ClinVar aggregate classification (germline): Uncertain significance. Review status: criteria provided, multiple submitters, no conflicts (2 of 4 stars). 2 submissions from 2 submitters: Uncertain significance (2). Last evaluated 2025-03-10.

Conditions:
Hereditary cancer-predisposing syndrome. Also called: Neoplastic Syndromes, Hereditary; Hereditary Cancer Syndrome; Tumor predisposition; Hereditary neoplastic syndrome. Identifiers: Orphanet 140162, MedGen C0027672, MeSH D009386, MONDO:0015356.
Neuroblastoma, susceptibility to, 3. Also called: ALK-Related Neuroblastic Tumor Susceptibility. Identifiers: Orphanet 635, MedGen C2751681, MONDO:0013083, OMIM 613014.

Allele frequency attached by ClinVar (database versions not stated): ExAC 0.00002; gnomAD exomes 0.00002.
gnomAD v4.1: 10 of 1,614,106 alleles (0.00062%); highest among the groups gnomAD compares: South Asian, 0.0088%; no homozygotes.

Submissions (2):

Ambry Genetics
Classification: Uncertain significance for Hereditary cancer-predisposing syndrome. Last evaluated: 2025-03-10. Review status: criteria provided, single submitter. Criteria: Ambry Variant Classification Scheme 2023. Collection method: clinical testing. Allele origin: germline.
Comment: The p.I959V variant (also known as c.2875A>G), located in coding exon 17 of the ALK gene, results from an A to G substitution at nucleotide position 2875. The isoleucine at codon 959 is replaced by valine, an amino acid with highly similar properties. This amino acid position is conserved. In addition, this alteration is predicted to be tolerated by in silico analysis. Based on the available evidence, the clinical significance of this variant remains unclear.

Labcorp Genetics (formerly Invitae), Labcorp
Classification: Uncertain significance for Neuroblastoma, susceptibility to, 3. Last evaluated: 2022-10-05. Review status: criteria provided, single submitter. Criteria: Invitae Variant Classification Sherloc (09022015). Collection method: clinical testing. Allele origin: germline.
Comment: Algorithms developed to predict the effect of missense changes on protein structure and function (SIFT, PolyPhen-2, Align-GVGD) all suggest that this variant is likely to be disruptive. ClinVar contains an entry for this variant (Variation ID: 1440593). This variant has not been reported in the literature in individuals affected with ALK-related conditions. This variant is present in population databases (rs748167212, gnomAD 0.01%). This sequence change replaces isoleucine, which is neutral and non-polar, with valine, which is neutral and non-polar, at codon 959 of the ALK protein (p.Ile959Val). Algorithms developed to predict the effect of sequence changes on RNA splicing suggest that this variant may create or strengthen a splice site. In summary, the available evidence is currently insufficient to determine the role of this variant in disease. Therefore, it has been classified as a Variant of Uncertain Significance.